The following is an entry in ClinVar:

NM_000038.6(APC):c.1786T>C (p.Ser596Pro)

Gene: APC (APC regulator of Wnt signaling pathway; plus strand). Cytogenetic location: 5q22.2.
Variant type: single nucleotide variant.
Coding change: c.1786T>C on transcript NM_000038.6 (MANE Select); coding-DNA position 1786, T replaced by C.
Protein change: p.Ser596Pro; replaces serine 596 with proline.
Molecular consequence: missense variant.
Genome position (GRCh38, 1-based): chr5:112,834,993, T>C. VCF-style: chr5-112834993-T-C. GRCh37 (hg19) VCF-style: chr5-112170690-T-C.
Other names: c.1786T>C, p.Ser596Pro (NM_001127510.3, NM_001354895.2); c.1732T>C, p.Ser578Pro (NM_001127511.3); c.1840T>C, p.Ser614Pro (NM_001354896.2); c.1816T>C, p.Ser606Pro (NM_001354897.2); c.1711T>C, p.Ser571Pro (NM_001354898.2); c.1702T>C, p.Ser568Pro (NM_001354899.2); c.1663T>C, p.Ser555Pro (NM_001354900.2); c.1609T>C, p.Ser537Pro (NM_001354901.2); and 5 more; short protein forms S578P, S596P, S606P, S313P, S571P, S614P, S436P, S495P.
Identifiers: ClinVar variation 574434 (VCV000574434.12), dbSNP rs1561568258, ClinGen allele CA16025225.
Genomic context (GRCh38, chr5:112,834,993, plus strand): 5'-TATTCTGTTTCTTACTAGGAATCAACCCTCAAAAGCGTATTGAGTGCCTTATGGAATTTG[T>C]CAGCACATTGCACTGAGAATAAAGCTGATATATGTGCTGTAGATGGTGCACTTGCATTTT-3'
Protein context (NP_000029.2, residues 586-606): KSVLSALWNL[Ser596Pro]AHCTENKADI

ClinVar aggregate classification (germline): Uncertain significance. Review status: criteria provided, multiple submitters, no conflicts (2 of 4 stars). 3 submissions from 3 submitters: Uncertain significance (3). Last evaluated 2025-03-11.

Conditions:
Hereditary cancer-predisposing syndrome. Also called: Neoplastic Syndromes, Hereditary; Hereditary Cancer Syndrome; Tumor predisposition; Hereditary neoplastic syndrome. Identifiers: Orphanet 140162, MedGen C0027672, MeSH D009386, MONDO:0015356.
Familial adenomatous polyposis 1 (FAP1). Also called: POLYPOSIS, ADENOMATOUS INTESTINAL; FAMILIAL ADENOMATOUS POLYPOSIS 1, ATTENUATED. Identifiers: MedGen C2713442, MONDO:0021056, OMIM 175100. Disease mechanism: loss of function.

Submissions (3):

Labcorp Genetics (formerly Invitae), Labcorp
Classification: Uncertain significance for Familial adenomatous polyposis 1. Last evaluated: 2025-03-11. Review status: criteria provided, single submitter. Criteria: Invitae Variant Classification Sherloc (09022015). Collection method: clinical testing. Allele origin: germline.
Comment: This sequence change replaces serine, which is neutral and polar, with proline, which is neutral and non-polar, at codon 596 of the APC protein (p.Ser596Pro). This variant is not present in population databases (gnomAD no frequency). This variant has not been reported in the literature in individuals affected with APC-related conditions. ClinVar contains an entry for this variant (Variation ID: 574434). Invitae Evidence Modeling of protein sequence and biophysical properties (such as structural, functional, and spatial information, amino acid conservation, physicochemical variation, residue mobility, and thermodynamic stability) indicates that this missense variant is not expected to disrupt APC protein function with a negative predictive value of 95%. In summary, the available evidence is currently insufficient to determine the role of this variant in disease. Therefore, it has been classified as a Variant of Uncertain Significance.

Ambry Genetics
Classification: Uncertain significance for Hereditary cancer-predisposing syndrome. Last evaluated: 2021-07-16. Review status: criteria provided, single submitter. Criteria: Ambry Variant Classification Scheme 2023. Collection method: clinical testing. Allele origin: germline.
Comment: The p.S596P variant (also known as c.1786T>C), located in coding exon 14 of the APC gene, results from a T to C substitution at nucleotide position 1786. The serine at codon 596 is replaced by proline, an amino acid with similar properties. This variant has been detected in patients with a personal history of polyposis (Ambry internal data). This amino acid position is highly conserved in available vertebrate species. In addition, in silico predictors for this gene do not accurately predict pathogenicity. Since supporting evidence is limited at this time, the clinical significance of this alteration remains unclear.

GeneDx
Classification: Uncertain significance. Last evaluated: 2019-09-25. Review status: criteria provided, single submitter. Criteria: GeneDx Variant Classification Process June 2021. Collection method: clinical testing. Allele origin: germline. Affected: yes.
Comment: Not observed in large population cohorts (Lek et al., 2016); In silico analysis, which includes protein predictors and evolutionary conservation, supports a deleterious effect; Has not been previously published as pathogenic or benign to our knowledge